The following is an entry in ClinVar:

NM_015474.4(SAMHD1):c.1435G>T (p.Glu479Ter)

Gene: SAMHD1 (SAM and HD domain containing deoxynucleoside triphosphate triphosphohydrolase 1; minus strand). Cytogenetic location: 20q11.23.
Variant type: single nucleotide variant.
Coding change: c.1435G>T on transcript NM_015474.4 (MANE Select); coding-DNA position 1435, G replaced by T.
Protein change: p.Glu479Ter; replaces glutamic acid 479 with a stop codon.
Molecular consequence: nonsense.
Genome position (GRCh38, 1-based): chr20:36,904,225, C>A on the plus strand (G>T on the coding strand, the complement: SAMHD1 is on the minus strand). VCF-style: chr20-36904225-C-A. GRCh37 (hg19) VCF-style: chr20-35532628-C-A.
Other names: c.1435G>T, p.Glu479Ter (NM_001363729.2, NM_001363733.2); short protein forms E479*.
Identifiers: ClinVar variation 1456830 (VCV001456830.6), dbSNP rs2063392759, ClinGen allele CA408841433.
Genomic context (GRCh38, chr20:36,904,225, plus strand): 5'-TAAAATCTTCAGCCTTCAGTTTCACGTCTAGCAATACTTTGGGTTTAGCACTGGCAACCT[C>A]TTTTGGAAGAGATTCATAGTCCTCCTGGAAAACACAAGACTCCCCATGTTAGAATCCATT-3'

ClinVar aggregate classification (germline): Pathogenic (1 of 4 stars; one submission).

Conditions:
Aicardi-Goutieres syndrome 5. Identifiers: Orphanet 51, MedGen C2749659, MONDO:0013059, OMIM 612952.

Submission:

Labcorp Genetics (formerly Invitae), Labcorp
Classification: Pathogenic for Aicardi-Goutieres syndrome 5. Last evaluated: 2021-11-20. Review status: criteria provided, single submitter. Criteria: Invitae Variant Classification Sherloc (09022015). Collection method: clinical testing. Allele origin: germline.
Comment: This sequence change creates a premature translational stop signal (p.Glu479*) in the SAMHD1 gene. It is expected to result in an absent or disrupted protein product. Loss-of-function variants in SAMHD1 are known to be pathogenic (PMID: 19525956, 22461318). This variant is not present in population databases (gnomAD no frequency). This premature translational stop signal has been observed in individual(s) with Aicardi-Goutieres syndrome (PMID: 24300241). For these reasons, this variant has been classified as Pathogenic.

Literature cited by the submitters: PubMed 19525956; PubMed 22461318; PubMed 24300241.